The following is an entry in ClinVar:

NM_133642.5(LARGE1):c.287G>A (p.Gly96Asp)

Gene: LARGE1 (LARGE xylosyl- and glucuronyltransferase 1; minus strand). Cytogenetic location: 22q12.3.
Variant type: single nucleotide variant.
Coding change: c.287G>A on transcript NM_133642.5 (MANE Select); coding-DNA position 287, G replaced by A.
Protein change: p.Gly96Asp; replaces glycine 96 with aspartic acid.
Molecular consequence: missense variant.
Genome position (GRCh38, 1-based): chr22:33,650,488, C>T on the plus strand (G>A on the coding strand, the complement: LARGE1 is on the minus strand). VCF-style: chr22-33650488-C-T. GRCh37 (hg19) VCF-style: chr22-34046474-C-T.
Other names: c.287G>A, p.Gly96Asp (NM_001362949.2, NM_001362951.2, NM_001362953.2 and 7 more transcripts); short protein forms G96D.
Identifiers: ClinVar variation 578665 (VCV000578665.6), dbSNP rs1569341949, ClinGen allele CA411546257.

ClinVar aggregate classification (germline): Uncertain significance (1 of 4 stars; one submission).

Conditions:
Muscular dystrophy-dystroglycanopathy type B6 (MDDGB6). Also called: MUSCULAR DYSTROPHY-DYSTROGLYCANOPATHY (CONGENITAL WITH IMPAIRED INTELLECTUAL DEVELOPMENT), TYPE B, 6; MUSCULAR DYSTROPHY, CONGENITAL, LARGE-RELATED; MUSCULAR DYSTROPHY, CONGENITAL, TYPE 1D. Identifiers: MedGen C1837229, MONDO:0012138, OMIM 608840.

Allele frequency attached by ClinVar (database versions not stated): TOPMed 0.00001; gnomAD exomes below 0.00001.
gnomAD v4.1: 4 of 1,613,816 alleles (0.00025%); highest among the groups gnomAD compares: East Asian, 0.0022%; no homozygotes.

Submission:

Labcorp Genetics (formerly Invitae), Labcorp
Classification: Uncertain significance for Muscular dystrophy-dystroglycanopathy type B6. Last evaluated: 2022-10-24. Review status: criteria provided, single submitter. Criteria: Invitae Variant Classification Sherloc (09022015). Collection method: clinical testing. Allele origin: germline.
Comment: This sequence change replaces glycine, which is neutral and non-polar, with aspartic acid, which is acidic and polar, at codon 96 of the LARGE1 protein (p.Gly96Asp). This variant is present in population databases (no rsID available, gnomAD 0.0009%). This variant has not been reported in the literature in individuals affected with LARGE1-related conditions. ClinVar contains an entry for this variant (Variation ID: 578665). Algorithms developed to predict the effect of missense changes on protein structure and function are either unavailable or do not agree on the potential impact of this missense change (SIFT: "Deleterious"; PolyPhen-2: "Benign"; Align-GVGD: "Class C0"). In summary, the available evidence is currently insufficient to determine the role of this variant in disease. Therefore, it has been classified as a Variant of Uncertain Significance.